The following is an entry in ClinVar:

NM_000222.3(KIT):c.-4C>G

Gene: KIT (KIT proto-oncogene, receptor tyrosine kinase; plus strand). Cytogenetic location: 4q12.
Variant type: single nucleotide variant.
Coding change: c.-4C>G on transcript NM_000222.3 (MANE Select); 4 bases upstream of the start codon, C replaced by G.
Molecular consequence: 5 prime UTR variant.
Genome position (GRCh38, 1-based): chr4:54,658,011, C>G. VCF-style: chr4-54658011-C-G. GRCh37 (hg19) VCF-style: chr4-55524178-C-G.
Other names: c.-4C>G (NM_001093772.2, NM_001385284.1, NM_001385285.1 and 4 more transcripts).
Identifiers: ClinVar variation 4843995 (VCV004843995.1).

ClinVar aggregate classification (germline): Uncertain significance (1 of 4 stars; one submission).

Conditions:
Hereditary cancer-predisposing syndrome. Also called: Neoplastic Syndromes, Hereditary; Tumor predisposition; Hereditary Cancer Syndrome; Hereditary neoplastic syndrome. Identifiers: Orphanet 140162, MedGen C0027672, MeSH D009386, MONDO:0015356.

Submission:

Ambry Genetics
Classification: Uncertain significance for Hereditary cancer-predisposing syndrome. Last evaluated: 2026-03-13. Review status: criteria provided, single submitter. Criteria: Ambry Variant Classification Scheme 2023. Collection method: clinical testing. Allele origin: germline.
Comment: The c.-4C>G variant is located in the 5' untranslated region (5&rsquo; UTR) of the KIT gene. This variant results from a C to G substitution 4 bases upstream from the first translated codon. This nucleotide position is well conserved in available vertebrate species. Based on the available evidence, the clinical significance of this variant remains unclear.